The following is an entry in ClinVar:

ClinVar aggregate classification (germline): Uncertain significance (1 of 4 stars; one submission).

Conditions:
Rhabdoid tumor predisposition syndrome 2 (RTPS2). Identifiers: Orphanet 231108, Orphanet 69077, MedGen C2750074, MONDO:0013224, OMIM 613325.

Submission:

Labcorp Genetics (formerly Invitae), Labcorp
Classification: Uncertain significance for Rhabdoid tumor predisposition syndrome 2. Last evaluated: 2024-09-03. Review status: criteria provided, single submitter. Criteria: Invitae Variant Classification Sherloc (09022015). Collection method: clinical testing. Allele origin: germline.
Comment: This sequence change replaces serine, which is neutral and polar, with arginine, which is basic and polar, at codon 46 of the SMARCA4 protein (p.Ser46Arg). This variant is not present in population databases (gnomAD no frequency). This variant has not been reported in the literature in individuals affected with SMARCA4-related conditions. Invitae Evidence Modeling of protein sequence and biophysical properties (such as structural, functional, and spatial information, amino acid conservation, physicochemical variation, residue mobility, and thermodynamic stability) has been performed for this missense variant. However, the output from this modeling did not meet the statistical confidence thresholds required to predict the impact of this variant on SMARCA4 protein function. In summary, the available evidence is currently insufficient to determine the role of this variant in disease. Therefore, it has been classified as a Variant of Uncertain Significance.

NM_003072.5(SMARCA4):c.138C>A (p.Ser46Arg)

Gene: SMARCA4 (SWI/SNF related BAF chromatin remodeling complex subunit ATPase 4; plus strand). Cytogenetic location: 19p13.2.
Variant type: single nucleotide variant.
Coding change: c.138C>A on transcript NM_003072.5 (MANE Select); coding-DNA position 138, C replaced by A.
Protein change: p.Ser46Arg; replaces serine 46 with arginine.
Molecular consequence: missense variant. On other transcripts: non-coding transcript variant (1).
Genome position (GRCh38, 1-based): chr19:10,984,289, C>A. VCF-style: chr19-10984289-C-A. GRCh37 (hg19) VCF-style: chr19-11094965-C-A.
Other names: c.138C>A, p.Ser46Arg (NM_001128844.3, NM_001128845.2, NM_001128846.2 and 6 more transcripts); short protein forms S46R.
Identifiers: ClinVar variation 3636820 (VCV003636820.2).